The following is an entry in ClinVar:

ClinVar aggregate classification (germline): Likely benign. Review status: criteria provided, single submitter (1 of 4 stars). 2 submissions from 2 submitters: Likely benign (1). 1 of the submissions does not count toward it. Last evaluated 2018-02-26.

Conditions:
NF1-related disorder. Also called: NF1-related condition. Identifiers: MedGen CN379171.

Submissions (2):

Blueprint Genetics
Classification: Likely benign. Last evaluated: 2018-02-26. Review status: criteria provided, single submitter. Criteria: ACMG Guidelines, 2015. Collection method: clinical testing. Allele origin: germline.

PreventionGenetics, part of Exact Sciences
Classification: Likely benign for NF1-related condition. Last evaluated: 2021-11-17. Review status: no assertion criteria provided. Collection method: clinical testing. Allele origin: germline. Not counted in ClinVar's aggregate classification.
Comment: This variant is classified as likely benign based on ACMG/AMP sequence variant interpretation guidelines (Richards et al. 2015 PMID: 25741868, with internal and published modifications).

NM_001042492.3(NF1):c.61-3C>A

Gene: NF1 (neurofibromin 1; plus strand). Cytogenetic location: 17q11.2.
Variant type: single nucleotide variant.
Coding change: c.61-3C>A on transcript NM_001042492.3 (MANE Select); 3 bases into the intron before coding-DNA position 61, C replaced by A.
Molecular consequence: intron variant.
Genome position (GRCh38, 1-based): chr17:31,155,980, C>A. VCF-style: chr17-31155980-C-A. GRCh37 (hg19) VCF-style: chr17-29482998-C-A.
Other names: c.61-3C>A (NM_000267.4, NM_001128147.3).
Identifiers: ClinVar variation 3057725 (VCV003057725.3), dbSNP rs755724473, ClinGen allele CA2637073262.